The following is an entry in ClinVar:

ClinVar aggregate classification (germline): Conflicting classifications of pathogenicity. Review status: criteria provided, conflicting classifications (1 of 4 stars). 6 submissions from 6 submitters: Uncertain significance (2); Likely benign (3). 1 of the submissions does not count toward it. Last evaluated 2025-12-18.

Conditions:
Epilepsy, idiopathic generalized, susceptibility to, 8. Identifiers: MedGen C2752062, MONDO:0013032, OMIM 612899.
Autosomal dominant hypocalcemia 1 (HYPOC1). Also called: HYPOCALCEMIA, FAMILIAL. Identifiers: MedGen C3715128, MONDO:0011013, OMIM 601198.
Familial hypocalciuric hypercalcemia 1. Also called: Hypercalcemia, familial benign type 1. Identifiers: Orphanet 405, Orphanet 93372, MedGen C0342637, MONDO:0007791, OMIM 145980.
Neonatal severe primary hyperparathyroidism. Identifiers: Orphanet 417, MedGen C1832615, MONDO:0009397, OMIM 239200.
Familial hypocalciuric hypercalcemia (FHH). Also called: Familial benign hypercalcemia. Identifiers: Orphanet 405, MedGen C1809471, MONDO:0018458.
Nephrolithiasis/nephrocalcinosis. Identifiers: MedGen CN580796.

Allele frequency attached by ClinVar (database versions not stated): ExAC 0.00012; gnomAD exomes 0.00012 and 0.00014; ESP Exome Variant Server 0.00015; 1000 Genomes Project 0.00020; 1000 Genomes Project 30x 0.00031; TOPMed 0.00004; gnomAD 0.00005 and 0.00006.
gnomAD v4.1: 216 of 1,614,260 alleles (0.013%); highest among the groups gnomAD compares: Non-Finnish European, 0.017%; no homozygotes.

Submissions (6):

Labcorp Genetics (formerly Invitae), Labcorp
Classification: Likely benign for Familial hypocalciuric hypercalcemia; Autosomal dominant hypocalcemia 1. Last evaluated: 2025-12-18. Review status: criteria provided, single submitter. Criteria: Invitae Variant Classification Sherloc (09022015). Collection method: clinical testing. Allele origin: germline.

Blueprint Genetics
Classification: Uncertain significance. Last evaluated: 2024-11-01. Review status: criteria provided, single submitter. Criteria: ACMG Guidelines, 2015. Collection method: clinical testing. Allele origin: germline.

Women's Health and Genetics/Laboratory Corporation of America, LabCorp
Classification: Likely benign. Last evaluated: 2023-09-08. Review status: criteria provided, single submitter. Criteria: LabCorp Variant Classification Summary - May 2015. Collection method: clinical testing. Allele origin: germline.
Comment: Variant summary: CASR c.779A>G (p.Gln260Arg) results in a conservative amino acid change located in the Receptor, ligand binding region (IPR001828) of the encoded protein sequence. Two of four in-silico tools predict a benign effect of the variant on protein function. The variant allele was found at a frequency of 0.00012 in 251360 control chromosomes (gnomAD). The observed variant frequency is approximately 99 fold of the estimated maximal expected allele frequency for a pathogenic variant in CASR causing Autosomal Dominant Hypocalcemia phenotype (1.3e-06), strongly suggesting that the variant is benign. c.779A>G has been reported in the literature in one individual affected with cystic fibrosis (Gaitch_2016). The report does not provide unequivocal conclusions about association of the variant with Autosomal Dominant Hypocalcemia. To our knowledge, no experimental evidence demonstrating an impact on protein function has been reported. The following publication have been ascertained in the context of this evaluation (PMID: 27086061). Three submitters have cited clinical-significance assessments for this variant to ClinVar after 2014 and classified this variant as uncertain significance (n=2) and likely benign (n=1). Based on the evidence outlined above, the variant was classified as likely benign.

Ambry Genetics
Classification: Likely benign for Nephrolithiasis/nephrocalcinosis. Last evaluated: 2022-05-24. Review status: criteria provided, single submitter. Criteria: Ambry Variant Classification Scheme 2023. Collection method: clinical testing. Allele origin: germline.

Fulgent Genetics
Classification: Uncertain significance for Familial hypocalciuric hypercalcemia 1; Neonatal severe primary hyperparathyroidism; Autosomal dominant hypocalcemia 1; Epilepsy, idiopathic generalized, susceptibility to, 8. Last evaluated: 2022-02-19. Review status: criteria provided, single submitter. Criteria: ACMG Guidelines, 2015. Collection method: clinical testing. Allele origin: unknown.

Department of Pathology and Laboratory Medicine, Sinai Health System
Classification: Uncertain significance. Review status: no assertion criteria provided. Collection method: clinical testing. Allele origin: unknown. Affected: yes. Study: The Canadian Open Genetics Repository (COGR). Not counted in ClinVar's aggregate classification.
Comment: The CASR p.Gln260Arg variant was not identified in the literature nor was it identified in Cosmic or LOVD 3.0. The variant was identified in dbSNP (ID: rs200386687) and in ClinVar (classified as a VUS by Invitae for hypercalcemia, autosomal dominant 1). The variant was identified in control databases in 32 of 282768 chromosomes at a frequency of 0.000113 (Genome Aggregation Database Feb 27, 2017). The variant was observed in the following populations: European (non-Finnish) in 26 of 129098 chromosomes (freq: 0.000201), Other in 1 of 7218 chromosomes (freq: 0.000139), South Asian in 3 of 30616 chromosomes (freq: 0.000098), African in 1 of 24952 chromosomes (freq: 0.00004) and European (Finnish) in 1 of 25124 chromosomes (freq: 0.00004); it was not observed in the Latino, Ashkenazi Jewish and East Asian populations. The variant occurs outside of the splicing consensus sequence and in silico or computational prediction software programs (SpliceSiteFinder, MaxEntScan, NNSPLICE, GeneSplicer) do not predict a difference in splicing. The p.Gln260 residue is conserved in mammals however computational analyses (PolyPhen-2, SIFT, AlignGVGD, BLOSUM, MutationTaster) provide inconsistent predictions regarding the impact to the protein; this information is not very predictive of pathogenicity. In summary, based on the above information the clinical significance of this variant cannot be determined with certainty at this time. This variant is classified as a variant of uncertain significance.

Literature cited by the submitters: PubMed 27086061 (cited by Women's Health and Genetics/Laboratory Corporation of America, LabCorp and Ambry Genetics).

NM_000388.4(CASR):c.779A>G (p.Gln260Arg)

Gene: CASR (calcium sensing receptor; plus strand). Cytogenetic location: 3q21.1.
Variant type: single nucleotide variant.
Coding change: c.779A>G on transcript NM_000388.4 (MANE Select); coding-DNA position 779, A replaced by G.
Protein change: p.Gln260Arg; replaces glutamine 260 with arginine.
Molecular consequence: missense variant.
Genome position (GRCh38, 1-based): chr3:122,261,814, A>G. VCF-style: chr3-122261814-A-G. GRCh37 (hg19) VCF-style: chr3-121980661-A-G.
Other names: c.779A>G, p.Gln260Arg (NM_001178065.2); short protein forms Q260R.
Identifiers: ClinVar variation 463955 (VCV000463955.16), dbSNP rs200386687, ClinGen allele CA2569534.